The following is an entry in ClinVar:

ClinVar aggregate classification (germline): Uncertain significance. Review status: criteria provided, multiple submitters, no conflicts (2 of 4 stars). 3 submissions from 3 submitters: Uncertain significance (3). Last evaluated 2025-12-08.

Conditions:
Familial cancer of breast. Also called: Hereditary breast cancer; hereditary breast carcinoma; BREAST CANCER, FAMILIAL. Identifiers: Orphanet 227535, MedGen C0346153, MONDO:0016419, OMIM 114480. Disease mechanism: loss of function.
Hereditary diffuse gastric adenocarcinoma (HDGC). Also called: DIFFUSE GASTRIC AND LOBULAR BREAST CANCER SYNDROME. Identifiers: Orphanet 26106, MedGen C1708349, MONDO:0007648, OMIM 137215.
Hereditary cancer-predisposing syndrome. Also called: Hereditary Cancer Syndrome; Neoplastic Syndromes, Hereditary; Hereditary neoplastic syndrome; Tumor predisposition. Identifiers: Orphanet 140162, MedGen C0027672, MeSH D009386, MONDO:0015356.

Submissions (3):

Labcorp Genetics (formerly Invitae), Labcorp
Classification: Uncertain significance for Hereditary diffuse gastric adenocarcinoma. Last evaluated: 2025-12-08. Review status: criteria provided, single submitter. Criteria: Invitae Variant Classification Sherloc (09022015). Collection method: clinical testing. Allele origin: germline.
Comment: This sequence change replaces glycine, which is neutral and non-polar, with valine, which is neutral and non-polar, at codon 332 of the CDH1 protein (p.Gly332Val). This variant is not present in population databases (gnomAD no frequency). This variant has not been reported in the literature in individuals affected with CDH1-related conditions. ClinVar contains an entry for this variant (Variation ID: 823582). An algorithm developed to predict the effect of missense changes on protein structure and function (PolyPhen-2) suggests that this variant is likely to be disruptive. In summary, the available evidence is currently insufficient to determine the role of this variant in disease. Therefore, it has been classified as a Variant of Uncertain Significance.

Ambry Genetics
Classification: Uncertain significance for Hereditary cancer-predisposing syndrome. Last evaluated: 2025-10-27. Review status: criteria provided, single submitter. Criteria: Ambry Variant Classification Scheme 2023. Collection method: clinical testing. Allele origin: germline.
Comment: The p.G332V variant (also known as c.995G>T), located in coding exon 7 of the CDH1 gene, results from a G to T substitution at nucleotide position 995. The glycine at codon 332 is replaced by valine, an amino acid with dissimilar properties. This amino acid position is highly conserved in available vertebrate species. In addition, this alteration is predicted to be deleterious by in silico analysis. Since supporting evidence is limited at this time, the clinical significance of this alteration remains unclear.

Baylor Genetics
Classification: Uncertain significance for Familial cancer of breast. Last evaluated: 2023-10-04. Review status: criteria provided, single submitter. Criteria: ACMG Guidelines, 2015. Collection method: clinical testing. Allele origin: unknown.

NM_004360.5(CDH1):c.995G>T (p.Gly332Val)

Gene: CDH1 (cadherin 1; plus strand). Cytogenetic location: 16q22.1.
Variant type: single nucleotide variant.
Coding change: c.995G>T on transcript NM_004360.5 (MANE Select); coding-DNA position 995, G replaced by T.
Protein change: p.Gly332Val; replaces glycine 332 with valine.
Molecular consequence: missense variant. On other transcripts: 5 prime UTR variant (2).
Genome position (GRCh38, 1-based): chr16:68,811,846, G>T. VCF-style: chr16-68811846-G-T. GRCh37 (hg19) VCF-style: chr16-68845749-G-T.
Other names: c.995G>T, p.Gly332Val (NM_001317184.2); c.-621G>T (NM_001317185.2); c.-825G>T (NM_001317186.2); short protein forms G332V.
Identifiers: ClinVar variation 823582 (VCV000823582.12), dbSNP rs1597894308, ClinGen allele CA396459883.